The following is an entry in ClinVar:

ClinVar aggregate classification (germline): Uncertain significance. Review status: criteria provided, multiple submitters, no conflicts (2 of 4 stars). 3 submissions from 3 submitters: Uncertain significance (3). Last evaluated 2025-07-30.

Conditions:
PMM2-congenital disorder of glycosylation. Also called: Congenital disorder of glycosylation, type Ia; CARBOHYDRATE-DEFICIENT GLYCOPROTEIN SYNDROME, TYPE Ia; PMM2-CDG; CDG Ia; JAEKEN SYNDROME; PHOSPHOMANNOMUTASE 2 DEFICIENCY. Identifiers: Orphanet 79318, MedGen C0349653, MONDO:0008907, OMIM 212065.
Inborn genetic diseases. Identifiers: MedGen C0950123, MeSH D030342.

Allele frequency attached by ClinVar (database versions not stated): gnomAD 0.00001; gnomAD exomes 0.00001; TOPMed 0.00002.
gnomAD v4.1: 15 of 1,599,282 alleles (0.00094%); highest among the groups gnomAD compares: Admixed American, 0.012%; no homozygotes.

Submissions (3):

GeneDx
Classification: Uncertain significance. Last evaluated: 2025-07-30. Review status: criteria provided, single submitter. Criteria: GeneDx Variant Classification Process June 2021. Collection method: clinical testing. Allele origin: germline. Affected: yes.
Comment: Has not been previously published as pathogenic or benign to our knowledge; In silico analysis suggests that this missense variant does not alter protein structure/function

Labcorp Genetics (formerly Invitae), Labcorp
Classification: Uncertain significance for PMM2-congenital disorder of glycosylation. Last evaluated: 2024-12-07. Review status: criteria provided, single submitter. Criteria: Invitae Variant Classification Sherloc (09022015). Collection method: clinical testing. Allele origin: germline.
Comment: This sequence change replaces cysteine, which is neutral and slightly polar, with tyrosine, which is neutral and polar, at codon 83 of the PMM2 protein (p.Cys83Tyr). This variant is present in population databases (no rsID available, gnomAD 0.02%). This variant has not been reported in the literature in individuals affected with PMM2-related conditions. ClinVar contains an entry for this variant (Variation ID: 2050138). Invitae Evidence Modeling of protein sequence and biophysical properties (such as structural, functional, and spatial information, amino acid conservation, physicochemical variation, residue mobility, and thermodynamic stability) has been performed for this missense variant. However, the output from this modeling did not meet the statistical confidence thresholds required to predict the impact of this variant on PMM2 protein function. In summary, the available evidence is currently insufficient to determine the role of this variant in disease. Therefore, it has been classified as a Variant of Uncertain Significance.

Ambry Genetics
Classification: Uncertain significance for Inborn genetic diseases. Last evaluated: 2022-06-21. Review status: criteria provided, single submitter. Criteria: Ambry Variant Classification Scheme 2023. Collection method: clinical testing. Allele origin: germline.

NM_000303.3(PMM2):c.248G>A (p.Cys83Tyr)

Gene: PMM2 (phosphomannomutase 2; plus strand). Cytogenetic location: 16p13.2.
Variant type: single nucleotide variant.
Coding change: c.248G>A on transcript NM_000303.3 (MANE Select); coding-DNA position 248, G replaced by A.
Protein change: p.Cys83Tyr; replaces cysteine 83 with tyrosine.
Molecular consequence: missense variant.
Genome position (GRCh38, 1-based): chr16:8,804,836, G>A. VCF-style: chr16-8804836-G-A. GRCh37 (hg19) VCF-style: chr16-8898693-G-A.
Other names: short protein forms C83Y.
Identifiers: ClinVar variation 2050138 (VCV002050138.4), dbSNP rs1335235593, ClinGen allele CA394696004.